The following is an entry in ClinVar:

ClinVar aggregate classification (germline): Conflicting classifications of pathogenicity. Review status: criteria provided, conflicting classifications (1 of 4 stars). 2 submissions from 2 submitters: Likely pathogenic (1); Uncertain significance (1). Last evaluated 2022-04-05.

Conditions:
Charcot-Marie-Tooth disease axonal type 2O. Also called: CHARCOT-MARIE-TOOTH NEUROPATHY, AXONAL, TYPE 2O; CHARCOT-MARIE-TOOTH DISEASE, AXONAL, AUTOSOMAL DOMINANT, TYPE 2O; Charcot-Marie-Tooth disease, axonal, type 20; Charcot-Marie-Tooth Neuropathy Type 2O. Identifiers: Orphanet 284232, MedGen C3280220, MONDO:0013644, OMIM 614228.

Submissions (2):

MGZ Medical Genetics Center
Classification: Uncertain significance for Charcot-Marie-Tooth disease axonal type 2O. Last evaluated: 2022-04-05. Review status: criteria provided, single submitter. Criteria: ACMG Guidelines, 2015. Collection method: clinical testing. Allele origin: germline. Affected: yes. Observed: 1 variant allele.
Comment: ACMG criteria applied: PM1, PM2_SUP, PP1

ARUP Laboratories, Molecular Genetics and Genomics, ARUP Laboratories
Classification: Likely pathogenic for Charcot-Marie-Tooth disease axonal type 2O. Last evaluated: 2020-07-20. Review status: criteria provided, single submitter. Criteria: ARUP Molecular Germline Variant Investigation Process. Collection method: clinical testing. Allele origin: germline. Affected: yes.

NM_001376.5(DYNC1H1):c.1826T>C (p.Ile609Thr)

Gene: DYNC1H1 (dynein cytoplasmic 1 heavy chain 1; plus strand). Cytogenetic location: 14q32.31.
Variant type: single nucleotide variant.
Coding change: c.1826T>C on transcript NM_001376.5 (MANE Select); coding-DNA position 1826, T replaced by C.
Protein change: p.Ile609Thr; replaces isoleucine 609 with threonine.
Molecular consequence: missense variant.
Genome position (GRCh38, 1-based): chr14:101,986,051, T>C. VCF-style: chr14-101986051-T-C. GRCh37 (hg19) VCF-style: chr14-102452388-T-C.
Other names: short protein forms I609T.
Identifiers: ClinVar variation 973513 (VCV000973513.10), dbSNP rs2047933165, ClinGen allele CA391019439.
Genomic context (GRCh38, chr14:101,986,051, plus strand): 5'-ATGCACTGTTTGTCAGGCCTCACATCCGTGGGGCCATTCGCGAATACCAGACCCAGCTGA[T>C]CCAGCGCGTGAAAGATGACATTGAGTCTCTTCACGACAAGTTCAAGGTCCAGTACCCACA-3'
Protein context (NP_001367.2, residues 599-619): GAIREYQTQL[Ile609Thr]QRVKDDIESL